The following is an entry in ClinVar:

NM_178140.4(PDZD2):c.3471G>A (p.Ser1157=)

Gene: PDZD2 (PDZ domain containing 2; plus strand). Cytogenetic location: 5p13.3.
Variant type: single nucleotide variant.
Coding change: c.3471G>A on transcript NM_178140.4 (MANE Select); coding-DNA position 3471, G replaced by A.
Protein change: p.Ser1157=; no amino-acid change (serine 1157 retained).
Molecular consequence: synonymous variant.
Genome position (GRCh38, 1-based): chr5:32,074,577, G>A. VCF-style: chr5-32074577-G-A. GRCh37 (hg19) VCF-style: chr5-32074683-G-A.
Identifiers: ClinVar variation 3041417 (VCV003041417.2), dbSNP rs80096746, ClinGen allele CA3219474.
Genomic context (GRCh38, chr5:32,074,577, plus strand): 5'-CAGTGGCTCACAGACAGTGAACCTGACTGGCAGAGCCAATGATCCATGCGATCTGGACTC[G>A]AGAGTCCAGGCCACTTCTGTCAAAGTGACTGTCGCTGGCTTTCAGCCAGGTGGAGCTGTG-3'
Protein context (NP_835260.2, residues 1147-1167): GRANDPCDLD[Ser1157=]RVQATSVKVT

ClinVar aggregate classification (germline): Benign (0 of 4 stars; one submission).

Conditions:
PDZD2-related disorder. Also called: PDZD2-related condition.

Allele frequency attached by ClinVar (database versions not stated): 1000 Genomes Project 30x 0.00203; 1000 Genomes Project 0.00220; gnomAD 0.00397; ExAC 0.00398; TOPMed 0.00413; ESP Exome Variant Server 0.00423.
gnomAD v4.1: 7,229 of 1,613,464 alleles (0.45%); highest among the groups gnomAD compares: Non-Finnish European, 0.48%; 32 homozygotes.

Submission:

PreventionGenetics, part of Exact Sciences
Classification: Benign for PDZD2-related condition. Last evaluated: 2019-03-11. Review status: no assertion criteria provided. Collection method: clinical testing. Allele origin: germline.
Comment: This variant is classified as benign based on ACMG/AMP sequence variant interpretation guidelines (Richards et al. 2015 PMID: 25741868, with internal and published modifications).